The following is an entry in ClinVar:

NM_004963.4(GUCY2C):c.248T>C (p.Met83Thr)

Genes: GUCY2C-AS1 (GUCY2C antisense RNA 1; plus strand), GUCY2C (guanylate cyclase 2C; minus strand). Cytogenetic location: 12p12.3.
Variant type: single nucleotide variant.
Coding change: c.248T>C on transcript NM_004963.4 (MANE Select); coding-DNA position 248, T replaced by C.
Protein change: p.Met83Thr; replaces methionine 83 with threonine.
Molecular consequence: missense variant.
Genome position (GRCh38, 1-based): chr12:14,688,033, A>G on the plus strand (T>C on the coding strand, the complement: GUCY2C is on the minus strand). VCF-style: chr12-14688033-A-G. GRCh37 (hg19) VCF-style: chr12-14840967-A-G.
Other names: short protein forms M83T.
Identifiers: ClinVar variation 1447315 (VCV001447315.6), dbSNP rs753617861, ClinGen allele CA6463799.

ClinVar aggregate classification (germline): Uncertain significance. Review status: criteria provided, multiple submitters, no conflicts (2 of 4 stars). 2 submissions from 2 submitters: Uncertain significance (2). Last evaluated 2025-08-04.

Conditions:
Congenital diarrhea 6. Identifiers: Orphanet 314373, MedGen C3553270, MONDO:0013825, OMIM 614616.
Intestinal obstruction in the newborn due to guanylate cyclase 2C deficiency. Identifiers: Orphanet 314376, MedGen C4518781, MONDO:0013843, OMIM 614665.

Allele frequency attached by ClinVar (database versions not stated): gnomAD 0.00001; gnomAD exomes 0.00001 and 0.00003; ExAC 0.00002; TOPMed 0.00002.
gnomAD v4.1: 18 of 1,613,602 alleles (0.0011%); highest among the groups gnomAD compares: Admixed American, 0.01%; no homozygotes.

Submissions (2):

Labcorp Genetics (formerly Invitae), Labcorp
Classification: Uncertain significance. Last evaluated: 2025-08-04. Review status: criteria provided, single submitter. Criteria: Invitae Variant Classification Sherloc (09022015). Collection method: clinical testing. Allele origin: germline.
Comment: This sequence change replaces methionine, which is neutral and non-polar, with threonine, which is neutral and polar, at codon 83 of the GUCY2C protein (p.Met83Thr). This variant is present in population databases (rs753617861, gnomAD 0.02%). This variant has not been reported in the literature in individuals affected with GUCY2C-related conditions. ClinVar contains an entry for this variant (Variation ID: 1447315). An algorithm developed to predict the effect of missense changes on protein structure and function (PolyPhen-2) suggests that this variant is likely to be tolerated. In summary, the available evidence is currently insufficient to determine the role of this variant in disease. Therefore, it has been classified as a Variant of Uncertain Significance.

Department of Pathology and Laboratory Medicine, Sinai Health System
Classification: Uncertain significance for Congenital diarrhea 6; Intestinal obstruction in the newborn due to guanylate cyclase 2C deficiency. Last evaluated: 2020-06-02. Review status: criteria provided, single submitter. Criteria: ACMG Guidelines, 2015. Collection method: research. Allele origin: germline.